The following is an entry in ClinVar:

ClinVar aggregate classification (germline): Uncertain significance (1 of 4 stars; one submission).

Conditions:
FRMPD4-related disorder. Also called: FRMPD4-related condition.

gnomAD v4.1: 19 of 1,210,696 alleles (0.0016%); highest among the groups gnomAD compares: South Asian, 0.033%; no homozygotes.

Submission:

PreventionGenetics, part of Exact Sciences
Classification: Uncertain significance for FRMPD4-related condition. Last evaluated: 2022-10-12. Review status: criteria provided, single submitter. Criteria: ACMG Guidelines, 2015. Collection method: clinical testing. Allele origin: germline.
Comment: The FRMPD4 c.2812G>T variant is predicted to result in the amino acid substitution p.Ala938Ser. To our knowledge, this variant has not been reported in the literature. This variant is reported in 0.026% of alleles in individuals of South Asian descent in gnomAD. At this time, the clinical significance of this variant is uncertain due to the absence of conclusive functional and genetic evidence.

NM_001368397.1(FRMPD4):c.2812G>T (p.Ala938Ser)

Gene: FRMPD4 (FERM and PDZ domain containing 4; plus strand). Cytogenetic location: Xp22.2.
Variant type: single nucleotide variant.
Coding change: c.2812G>T on transcript NM_001368397.1 (MANE Select); coding-DNA position 2812, G replaced by T.
Protein change: p.Ala938Ser; replaces alanine 938 with serine.
Molecular consequence: missense variant.
Genome position (GRCh38, 1-based): chrX:12,717,638, G>T. VCF-style: chrX-12717638-G-T. GRCh37 (hg19) VCF-style: chrX-12735757-G-T.
Other names: c.2923G>T, p.Ala975Ser (NM_001368395.3, NM_001368398.3); c.2818G>T, p.Ala940Ser (NM_001368396.3); c.2803G>T, p.Ala935Ser (NM_001368399.3); c.2692G>T, p.Ala898Ser (NM_001368400.3); c.2788G>T, p.Ala930Ser (NM_001368401.1, NM_001368402.3); c.2812G>T, p.Ala938Ser (NM_014728.3); short protein forms A898S, A930S, A935S, A938S, A940S, A975S.
Identifiers: ClinVar variation 2636723 (VCV002636723.1), dbSNP rs771844799, ClinGen allele CA10349517.